The following is an entry in ClinVar:

ClinVar aggregate classification (germline): Conflicting classifications of pathogenicity. Review status: criteria provided, conflicting classifications (1 of 4 stars). 2 submissions from 2 submitters: Uncertain significance (1); Likely benign (1). Last evaluated 2026-02-20.

Conditions:
EHHADH-related disorder. Also called: EHHADH-related condition.

Allele frequency attached by ClinVar (database versions not stated): ExAC 0.00002; gnomAD 0.00003; TOPMed 0.00003; gnomAD exomes 0.00004.
gnomAD v4.1: 62 of 1,614,202 alleles (0.0038%); highest among the groups gnomAD compares: Admixed American, 0.017%; no homozygotes.

Submissions (2):

PreventionGenetics, part of Exact Sciences
Classification: Uncertain significance for EHHADH-related condition. Last evaluated: 2026-02-20. Review status: criteria provided, single submitter. Criteria: ACMG Guidelines, 2015. Collection method: clinical testing. Allele origin: germline.
Comment: The EHHADH c.662G>A variant is predicted to result in the amino acid substitution p.Arg221Gln. To our knowledge, this variant has not been reported in the literature. This variant is reported in 0.014% of alleles in individuals of Latino descent in gnomAD. Although we suspect that this variant may be benign, at this time, the clinical significance of this variant is uncertain due to the absence of conclusive functional and genetic evidence.

Ambry Genetics
Classification: Likely benign. Last evaluated: 2021-09-17. Review status: criteria provided, single submitter. Criteria: Ambry Variant Classification Scheme 2023. Collection method: clinical testing. Allele origin: germline.

NM_001966.4(EHHADH):c.662G>A (p.Arg221Gln)

Gene: EHHADH (enoyl-CoA hydratase and 3-hydroxyacyl CoA dehydrogenase; minus strand). Cytogenetic location: 3q27.2.
Variant type: single nucleotide variant.
Coding change: c.662G>A on transcript NM_001966.4 (MANE Select); coding-DNA position 662, G replaced by A.
Protein change: p.Arg221Gln; replaces arginine 221 with glutamine.
Molecular consequence: missense variant.
Genome position (GRCh38, 1-based): chr3:185,204,664, C>T on the plus strand (G>A on the coding strand, the complement: EHHADH is on the minus strand). VCF-style: chr3-185204664-C-T. GRCh37 (hg19) VCF-style: chr3-184922452-C-T.
Other names: c.374G>A, p.Arg125Gln (NM_001166415.2); short protein forms R221Q, R125Q.
Identifiers: ClinVar variation 2364781 (VCV002364781.3), dbSNP rs753620285, ClinGen allele CA2739155.